The following is an entry in ClinVar:

ClinVar aggregate classification (germline): Uncertain significance (1 of 4 stars; one submission).

Conditions:
Hereditary cancer-predisposing syndrome. Also called: Neoplastic Syndromes, Hereditary; Tumor predisposition; Hereditary Cancer Syndrome; Hereditary neoplastic syndrome. Identifiers: Orphanet 140162, MedGen C0027672, MeSH D009386, MONDO:0015356.

Allele frequency attached by ClinVar (database versions not stated): gnomAD exomes below 0.00001.
gnomAD v4.1: 1 of 1,562,294 alleles (0.000064%); highest among the groups gnomAD compares: Non-Finnish European, 0.000088%; no homozygotes.

Submission:

Ambry Genetics
Classification: Uncertain significance for Hereditary cancer-predisposing syndrome. Last evaluated: 2024-08-08. Review status: criteria provided, single submitter. Criteria: Ambry Variant Classification Scheme 2023. Collection method: clinical testing. Allele origin: germline.
Comment: The p.A262V variant (also known as c.785C>T), located in coding exon 7 of the PMS2 gene, results from a C to T substitution at nucleotide position 785. The alanine at codon 262 is replaced by valine, an amino acid with similar properties. This amino acid position is not well conserved in available vertebrate species. In addition, this alteration is predicted to be tolerated by in silico analysis. Based on the available evidence, the clinical significance of this variant remains unclear.

NM_000535.7(PMS2):c.785C>T (p.Ala262Val)

Gene: PMS2 (PMS1 homolog 2, mismatch repair system component; minus strand). Cytogenetic location: 7p22.1.
Variant type: single nucleotide variant.
Coding change: c.785C>T on transcript NM_000535.7 (MANE Select); coding-DNA position 785, C replaced by T.
Protein change: p.Ala262Val; replaces alanine 262 with valine.
Molecular consequence: missense variant. On other transcripts: 5 prime UTR variant (2), non-coding transcript variant (1).
Genome position (GRCh38, 1-based): chr7:5,997,344, G>A on the plus strand (C>T on the coding strand, the complement: PMS2 is on the minus strand). VCF-style: chr7-5997344-G-A. GRCh37 (hg19) VCF-style: chr7-6036975-G-A.
Other names: c.380C>T, p.Ala127Val (NM_001018040.1, NM_001322003.2, NM_001322004.2 and 20 more transcripts); c.785C>T, p.Ala262Val (NM_001322006.2, NM_001322014.2, NM_001406870.1 and 3 more transcripts); c.467C>T, p.Ala156Val (NM_001322007.2, NM_001322008.2, NM_001406876.1 and 4 more transcripts); c.-149C>T (NM_001322011.2, NM_001322012.2); c.212C>T, p.Ala71Val (NM_001322013.2, NM_001406909.1); c.476C>T, p.Ala159Val (NM_001322015.2, NM_001406875.1, NM_001406877.1 and 6 more transcripts); c.971C>T, p.Ala324Val (NM_001406866.1); c.809C>T, p.Ala270Val (NM_001406868.1); and 4 more; short protein forms A270V, A127V, A226V, A91V, A262V, A150V, A156V, A159V.
Identifiers: ClinVar variation 1760917 (VCV001760917.3), dbSNP rs2128786604, ClinGen allele CA366743636.